The following is an entry in ClinVar:

NM_000264.5(PTCH1):c.2319C>T (p.Asp773=)

Genes: PTCH1 (patched 1; minus strand), LOC100507346 (uncharacterized LOC100507346; plus strand). Cytogenetic location: 9q22.32.
Variant type: single nucleotide variant.
Coding change: c.2319C>T on transcript NM_000264.5 (MANE Select); coding-DNA position 2319, C replaced by T.
Protein change: p.Asp773=; no amino-acid change (aspartic acid 773 retained).
Molecular consequence: synonymous variant. On other transcripts: non-coding transcript variant (1).
Genome position (GRCh38, 1-based): chr9:95,467,357, G>A on the plus strand (C>T on the coding strand, the complement: PTCH1 is on the minus strand). VCF-style: chr9-95467357-G-A. GRCh37 (hg19) VCF-style: chr9-98229639-G-A.
Other names: c.2121C>T, p.Asp707= (NM_001083602.3); c.2316C>T, p.Asp772= (NM_001083603.3); c.1866C>T, p.Asp622= (NM_001083604.3, NM_001083605.3, NM_001083606.3 and 1 more transcripts); c.2163C>T, p.Asp721= (NM_001354918.2); c.2319C>T (NM_000264.4).
Identifiers: ClinVar variation 215689 (VCV000215689.48), dbSNP rs141134542, ClinGen allele CA338044.
Genomic context (GRCh38, chr9:95,467,357, plus strand): 5'-TGCAGCAATAAAGTCATATTCTCTGGTTTCCCGAGGTACAATGTCCGTAAGGTCCAGCCC[G>A]TCTCTCACTCGGGTGGTGCCATAAAGGCTGACCCCCAGCAAGCCCAGAAAAAGGAAGATC-3'
Protein context (NP_000255.2, residues 763-783): VSLYGTTRVR[Asp773=]GLDLTDIVPR

ClinVar aggregate classification (germline): Benign/Likely benign. Review status: criteria provided, multiple submitters, no conflicts (2 of 4 stars). 9 submissions from 8 submitters: Benign (2); Likely benign (6). 1 of the submissions does not count toward it. Last evaluated 2026-01-30.

Conditions:
Basal cell carcinoma, susceptibility to, 1. Also called: BCC1. Identifiers: MedGen C2751544, MONDO:0011556, OMIM 605462.
Basal cell nevus syndrome 1 (BCNS1). Also called: GORLIN-GOLTZ SYNDROME; MULTIPLE BASAL CELL NEVI, ODONTOGENIC KERATOCYSTS, AND SKELETAL ANOMALIES. Identifiers: MedGen CN376810, MONDO:0958174, OMIM 109400.
Holoprosencephaly 7 (HPE7). Identifiers: Orphanet 2162, MedGen C1835820, MONDO:0012562, OMIM 610828.
Hereditary cancer-predisposing syndrome. Also called: Tumor predisposition; Neoplastic Syndromes, Hereditary; Hereditary Cancer Syndrome; Hereditary neoplastic syndrome. Identifiers: Orphanet 140162, MedGen C0027672, MeSH D009386, MONDO:0015356.
PTCH1-related disorder. Also called: PTCH1-related disorders; PTCH1-related condition.
Gorlin syndrome. Also called: Basal cell nevus syndrome; Nevoid Basal Cell Carcinoma Syndrome. Identifiers: Orphanet 377, MedGen C0004779, MONDO:0007187.

Allele frequency attached by ClinVar (database versions not stated): ExAC 0.00009; gnomAD exomes 0.00012 and 0.00053; ESP Exome Variant Server 0.00015; gnomAD 0.00017 and 0.00018; TOPMed 0.00018; 1000 Genomes Project 0.00020; 1000 Genomes Project 30x 0.00031.
gnomAD v4.1: 773 of 1,614,174 alleles (0.048%); highest among the groups gnomAD compares: Non-Finnish European, 0.064%; 2 homozygotes.

Submissions (9):

Labcorp Genetics (formerly Invitae), Labcorp
Classification: Benign for Gorlin syndrome. Last evaluated: 2026-01-30. Review status: criteria provided, single submitter. Criteria: Invitae Variant Classification Sherloc (09022015). Collection method: clinical testing. Allele origin: germline.

CeGaT Center for Human Genetics Tuebingen
Classification: Likely benign. Last evaluated: 2025-05-01. Review status: criteria provided, single submitter. Criteria: CeGaT Center For Human Genetics Tuebingen Variant Classification Criteria Version 2. Collection method: clinical testing. Allele origin: germline. Affected: yes. Observed: 1 variant allele.
Comment: PTCH1: BP4, BP7

Department of Pathology and Laboratory Medicine, Sinai Health System
Classification: Likely benign for Basal cell nevus syndrome 1; Basal cell carcinoma, susceptibility to, 1; Holoprosencephaly 7. Last evaluated: 2024-01-16. Review status: criteria provided, single submitter. Criteria: ACMG Guidelines, 2015. Collection method: clinical testing. Allele origin: germline. Affected: yes.

Quest Diagnostics Nichols Institute San Juan Capistrano
Classification: Benign. Last evaluated: 2022-03-11. Review status: criteria provided, single submitter. Criteria: Quest Diagnostics criteria. Collection method: clinical testing. Allele origin: unknown.

GeneDx
Classification: Likely benign. Last evaluated: 2021-06-17. Review status: criteria provided, single submitter. Criteria: GeneDx Variant Classification Process June 2021. Collection method: clinical testing. Allele origin: germline. Affected: yes.

Illumina Laboratory Services, Illumina
Classification: Likely benign for Basal cell nevus syndrome 1. Last evaluated: 2018-01-13. Review status: criteria provided, single submitter. Criteria: ICSL Variant Classification Criteria 13 December 2019. Collection method: clinical testing. Allele origin: germline.
Comment: This variant was observed in the ICSL laboratory as part of a predisposition screen in an ostensibly healthy population. It had not been previously curated by ICSL or reported in the Human Gene Mutation Database (HGMD: prior to June 1st, 2018), and was therefore a candidate for classification through an automated scoring system. Utilizing variant allele frequency, disease prevalence and penetrance estimates, and inheritance mode, an automated score was calculated to assess if this variant is too frequent to cause the disease. Based on the score and internal cut-off values, a variant classified as likely benign is not then subjected to further curation. The score for this variant resulted in a classification of likely benign for this disease.

Illumina Laboratory Services, Illumina
Classification: Likely benign for Holoprosencephaly 7. Last evaluated: 2018-01-13. Review status: criteria provided, single submitter. Criteria: ICSL Variant Classification Criteria 13 December 2019. Collection method: clinical testing. Allele origin: germline.
Comment: the same text as in the submission from Illumina Laboratory Services, Illumina above.

Ambry Genetics
Classification: Likely benign for Hereditary cancer-predisposing syndrome. Last evaluated: 2017-02-08. Review status: criteria provided, single submitter. Criteria: Ambry Variant Classification Scheme 2023. Collection method: clinical testing. Allele origin: germline.

PreventionGenetics, part of Exact Sciences
Classification: Likely benign for PTCH1-related condition. Last evaluated: 2022-02-12. Review status: no assertion criteria provided. Collection method: clinical testing. Allele origin: germline. Not counted in ClinVar's aggregate classification.
Comment: This variant is classified as likely benign based on ACMG/AMP sequence variant interpretation guidelines (Richards et al. 2015 PMID: 25741868, with internal and published modifications).